The following is an entry in ClinVar:

NM_004304.5(ALK):c.2845G>A (p.Glu949Lys)

Gene: ALK (ALK receptor tyrosine kinase; minus strand). Cytogenetic location: 2p23.2.
Variant type: single nucleotide variant.
Coding change: c.2845G>A on transcript NM_004304.5 (MANE Select); coding-DNA position 2845, G replaced by A.
Protein change: p.Glu949Lys; replaces glutamic acid 949 with lysine.
Molecular consequence: missense variant.
Genome position (GRCh38, 1-based): chr2:29,227,643, C>T on the plus strand (G>A on the coding strand, the complement: ALK is on the minus strand). VCF-style: chr2-29227643-C-T. GRCh37 (hg19) VCF-style: chr2-29450509-C-T.
Other names: short protein forms E949K.
Identifiers: ClinVar variation 659817 (VCV000659817.13), dbSNP rs774004991, ClinGen allele CA1594162.

ClinVar aggregate classification (germline): Conflicting classifications of pathogenicity. Review status: criteria provided, conflicting classifications (1 of 4 stars). 5 submissions from 5 submitters: Uncertain significance (4); Likely benign (1). Last evaluated 2025-12-29.

Conditions:
Hereditary cancer-predisposing syndrome. Also called: Hereditary Cancer Syndrome; Hereditary neoplastic syndrome; Tumor predisposition; Neoplastic Syndromes, Hereditary. Identifiers: Orphanet 140162, MedGen C0027672, MeSH D009386, MONDO:0015356.
Neuroblastoma, susceptibility to, 3. Also called: ALK-Related Neuroblastic Tumor Susceptibility. Identifiers: Orphanet 635, MedGen C2751681, MONDO:0013083, OMIM 613014.

Allele frequency attached by ClinVar (database versions not stated): TOPMed 0.00002; gnomAD exomes 0.00002 and 0.00003; ExAC 0.00004.
gnomAD v4.1: 34 of 1,614,034 alleles (0.0021%); highest among the groups gnomAD compares: East Asian, 0.016%; no homozygotes.

Submissions (5):

Dasa
Classification: Uncertain significance. Last evaluated: 2025-12-29. Review status: criteria provided, single submitter. Criteria: DASA Assertion Criteria. Collection method: clinical testing. Allele origin: germline.
Comment: NM_004304.5(ALK):c.2845G>A (p.Glu949Lys) is a missense variant that results in the substitution of glutamic acid with lysine. This variant is rare in population databases. Computational prediction algorithms are consistent with a deleterious effect. The currently available literature and clinical evidence are not sufficient to establish a definitive association between this variant and the reported condition. Therefore, this variant is classified as a variant of uncertain significance.

Labcorp Genetics (formerly Invitae), Labcorp
Classification: Uncertain significance for Neuroblastoma, susceptibility to, 3. Last evaluated: 2025-12-22. Review status: criteria provided, single submitter. Criteria: Invitae Variant Classification Sherloc (09022015). Collection method: clinical testing. Allele origin: germline.
Comment: This sequence change replaces glutamic acid, which is acidic and polar, with lysine, which is basic and polar, at codon 949 of the ALK protein (p.Glu949Lys). This variant is present in population databases (rs774004991, gnomAD 0.01%). This variant has not been reported in the literature in individuals affected with ALK-related conditions. ClinVar contains an entry for this variant (Variation ID: 659817). An algorithm developed to predict the effect of missense changes on protein structure and function (PolyPhen-2) suggests that this variant is likely to be disruptive. Algorithms developed to predict the effect of sequence changes on RNA splicing suggest that this variant may disrupt the consensus splice site. In summary, the available evidence is currently insufficient to determine the role of this variant in disease. Therefore, it has been classified as a Variant of Uncertain Significance.

Ambry Genetics
Classification: Likely benign for Hereditary cancer-predisposing syndrome. Last evaluated: 2024-10-28. Review status: criteria provided, single submitter. Criteria: Ambry Variant Classification Scheme 2023. Collection method: clinical testing. Allele origin: germline.

GeneDx
Classification: Uncertain significance. Last evaluated: 2023-12-14. Review status: criteria provided, single submitter. Criteria: GeneDx Variant Classification Process June 2021. Collection method: clinical testing. Allele origin: germline. Affected: yes.
Comment: In silico analysis is inconclusive as to whether the variant alters gene splicing and/or protein structure/function. In the absence of RNA/functional studies, the actual effect of this sequence change is unknown.; Has not been previously published as pathogenic or benign to our knowledge

Baylor Genetics
Classification: Uncertain significance for Neuroblastoma, susceptibility to, 3. Last evaluated: 2023-10-06. Review status: criteria provided, single submitter. Criteria: ACMG Guidelines, 2015. Collection method: clinical testing. Allele origin: unknown.